The following is an entry in ClinVar:

ClinVar aggregate classification (germline): Uncertain significance (1 of 4 stars; one submission).

gnomAD v4.1: 1 of 1,613,500 alleles (0.000062%); highest among the groups gnomAD compares: Non-Finnish European, 0.000085%; no homozygotes.

Submission:

GeneDx
Classification: Uncertain significance. Last evaluated: 2025-06-24. Review status: criteria provided, single submitter. Criteria: GeneDx Variant Classification Process June 2021. Collection method: clinical testing. Allele origin: germline. Affected: yes.
Comment: Not observed at significant frequency in large population cohorts (gnomAD); In silico analysis supports that this missense variant has a deleterious effect on protein structure/function; Has not been previously published as pathogenic or benign to our knowledge

NM_001127644.2(GABRA1):c.520C>G (p.Pro174Ala)

Gene: GABRA1 (gamma-aminobutyric acid type A receptor subunit alpha1; plus strand). Cytogenetic location: 5q34.
Variant type: single nucleotide variant.
Coding change: c.520C>G on transcript NM_001127644.2 (MANE Select); coding-DNA position 520, C replaced by G.
Protein change: p.Pro174Ala; replaces proline 174 with alanine.
Molecular consequence: missense variant.
Genome position (GRCh38, 1-based): chr5:161,875,603, C>G. VCF-style: chr5-161875603-C-G. GRCh37 (hg19) VCF-style: chr5-161302609-C-G.
Other names: c.520C>G, p.Pro174Ala (NM_000806.5, NM_001127643.2, NM_001127645.2 and 1 more transcripts); short protein forms P174A.
Identifiers: ClinVar variation 4539836 (VCV004539836.1).